The following is an entry in ClinVar:

NM_006206.6(PDGFRA):c.3128A>C (p.Gln1043Pro)

Gene: PDGFRA (platelet derived growth factor receptor alpha; plus strand). Cytogenetic location: 4q12.
Variant type: single nucleotide variant.
Coding change: c.3128A>C on transcript NM_006206.6 (MANE Select); coding-DNA position 3128, A replaced by C.
Protein change: p.Gln1043Pro; replaces glutamine 1043 with proline.
Molecular consequence: missense variant.
Genome position (GRCh38, 1-based): chr4:54,295,130, A>C. VCF-style: chr4-54295130-A-C. GRCh37 (hg19) VCF-style: chr4-55161297-A-C.
Other names: c.3203A>C, p.Gln1068Pro (NM_001347828.2); c.3128A>C, p.Gln1043Pro (NM_001347829.2); c.3167A>C, p.Gln1056Pro (NM_001347830.2); short protein forms Q1068P, Q1043P, Q1056P.
Identifiers: ClinVar variation 1996106 (VCV001996106.4), dbSNP rs1553907178, ClinGen allele CA356896450.

ClinVar aggregate classification (germline): Uncertain significance (1 of 4 stars; one submission).

Conditions:
Gastrointestinal stromal tumor. Also called: Gastrointestinal stroma tumor; Gastrointestinal stromal tumor, somatic. Identifiers: Orphanet 44890, MedGen C0238198, MeSH D046152, MONDO:0011719, OMIM 606764, HP:0100723.

gnomAD v4.1: 1 of 1,614,086 alleles (0.000062%); highest among the groups gnomAD compares: South Asian, 0.0011%; no homozygotes.

Submission:

Labcorp Genetics (formerly Invitae), Labcorp
Classification: Uncertain significance for Gastrointestinal stromal tumor. Last evaluated: 2022-05-27. Review status: criteria provided, single submitter. Criteria: Invitae Variant Classification Sherloc (09022015). Collection method: clinical testing. Allele origin: germline.
Comment: This sequence change replaces glutamine, which is neutral and polar, with proline, which is neutral and non-polar, at codon 1043 of the PDGFRA protein (p.Gln1043Pro). This variant is not present in population databases (gnomAD no frequency). This variant has not been reported in the literature in individuals affected with PDGFRA-related conditions. Algorithms developed to predict the effect of missense changes on protein structure and function (SIFT, PolyPhen-2, Align-GVGD) all suggest that this variant is likely to be tolerated. In summary, the available evidence is currently insufficient to determine the role of this variant in disease. Therefore, it has been classified as a Variant of Uncertain Significance.